The following is an entry in ClinVar:

NM_001101362.3(KBTBD13):c.437_454dup (p.Ala151_Leu152insArgAlaTyrValAlaAla)

Gene: KBTBD13 (kelch repeat and BTB domain containing 13; plus strand). Cytogenetic location: 15q22.31.
Variant type: Duplication.
Coding change: c.437_454dup on transcript NM_001101362.3 (MANE Select); coding-DNA positions 437 to 454, 18 bases duplicated (GCGCCTACGTGGCGGCCC).
Protein change: p.Ala151_Leu152insArgAlaTyrValAlaAla.
Molecular consequence: inframe insertion.
Genome position (GRCh38, 1-based): chr15:65,077,252-65,077,269, GCGCCTACGTGGCGGCCC duplicated; duplicating any 18 consecutive bases within chr15:65,077,247-65,077,269 gives the same sequence; the c. name uses the placement nearest the transcript's 3' end. VCF-style (leftmost placement, unchanged base first): chr15-65077246-A-AGGCCCGCGCCTACGTGGC. GRCh37 (hg19) VCF-style: chr15-65369584-A-AGGCCCGCGCCTACGTGGC.
Identifiers: ClinVar variation 4759219 (VCV004759219.1).

ClinVar aggregate classification (germline): Likely benign (1 of 4 stars; one submission).

Conditions:
Nemaline myopathy 6 (NEM6). Also called: Nemaline myopathy 6, autosomal dominant. Identifiers: Orphanet 171439, MedGen C1836472, MONDO:0012237, OMIM 609273.

Submission:

Centre for Medical Genetics,  Mumbai
Classification: Likely benign for Nemaline myopathy 6. Last evaluated: 2026-02-09. Review status: criteria provided, single submitter. Criteria: ACMG Guidelines, 2015. Collection method: provider interpretation. Allele origin: germline. Inheritance: Autosomal dominant inheritance. Affected: no. Observed: 1 heterozygote.
Comment: The variant satisfies PM2 criteria; Extremely low frequency in gnomAD population databases. The variant satisfies PM4 criteria; Protein length changes resulting from in-frame deletions/insertions in a non-repeat region or a stop-loss variant. However, the variant satisfies BS2 criteria; present in heterozygous state in an individual that clinically does not have Nemaline myopathy 6, autosomal dominant

Literature cited by the submitters: PubMed 11731279.